The following is an entry in ClinVar:

NM_001160372.4(TRAPPC9):c.2797G>A (p.Gly933Ser)

Gene: TRAPPC9 (trafficking protein particle complex subunit 9; minus strand). Cytogenetic location: 8q24.3.
Variant type: single nucleotide variant.
Coding change: c.2797G>A on transcript NM_001160372.4 (MANE Select); coding-DNA position 2797, G replaced by A.
Protein change: p.Gly933Ser; replaces glycine 933 with serine.
Molecular consequence: missense variant. On other transcripts: non-coding transcript variant (1), intron variant (1).
Genome position (GRCh38, 1-based): chr8:139,988,739, C>T on the plus strand (G>A on the coding strand, the complement: TRAPPC9 is on the minus strand). VCF-style: chr8-139988739-C-T. GRCh37 (hg19) VCF-style: chr8-140998947-C-T.
Other names: c.2770G>A, p.Gly924Ser (NM_001321646.2); c.2818G>A, p.Gly940Ser (NM_001374682.1); c.2653G>A, p.Gly885Ser (NM_001374684.1); c.2797G>A, p.Gly933Ser (NM_031466.8); c.2699+35198G>A (NM_001374683.1); short protein forms G933S, G924S, G885S, G940S.
Identifiers: ClinVar variation 130629 (VCV000130629.27), dbSNP rs114949291, ClinGen allele CA155775.

ClinVar aggregate classification (germline): Benign/Likely benign. Review status: criteria provided, multiple submitters, no conflicts (2 of 4 stars). 5 submissions from 5 submitters: Benign (2); Likely benign (2). 1 of the submissions does not count toward it. Last evaluated 2026-02-03.

Conditions:
Inborn genetic diseases. Identifiers: MedGen C0950123, MeSH D030342.

Allele frequency attached by ClinVar (database versions not stated): gnomAD exomes 0.00267 and 0.00574; ESP Exome Variant Server 0.00528; gnomAD 0.00641 and 0.00679; TOPMed 0.00663; 1000 Genomes Project 30x 0.01265; 1000 Genomes Project 0.01298; ExAC 0.01461.
gnomAD v4.1: 4,853 of 1,550,178 alleles (0.31%); highest among the groups gnomAD compares: South Asian, 2.6%; 66 homozygotes.

Submissions (5):

Labcorp Genetics (formerly Invitae), Labcorp
Classification: Benign. Last evaluated: 2026-02-03. Review status: criteria provided, single submitter. Criteria: Invitae Variant Classification Sherloc (09022015). Collection method: clinical testing. Allele origin: germline.

GeneDx
Classification: Likely benign. Last evaluated: 2022-11-14. Review status: criteria provided, single submitter. Criteria: GeneDx Variant Classification Process June 2021. Collection method: clinical testing. Allele origin: germline. Affected: yes.
Comment: See Variant Classification Assertion Criteria.

Ambry Genetics
Classification: Benign for Inborn genetic diseases. Last evaluated: 2016-10-03. Review status: criteria provided, single submitter. Criteria: Ambry Variant Classification Scheme 2023. Collection method: clinical testing. Allele origin: germline.

Center for Pediatric Genomic Medicine, Children's Mercy Hospital and Clinics
Classification: Likely benign. Last evaluated: 2015-08-26. Review status: criteria provided, single submitter. Criteria: ACMG Guidelines, 2015. Collection method: clinical testing. Allele origin: germline.
ClinVar note: Converted during submission from Likely Benign to Likely benign.

Genetic Services Laboratory, University of Chicago
Classification: Likely benign for AllHighlyPenetrant. Review status: no assertion criteria provided. Collection method: clinical testing. Allele origin: germline. Inheritance: Autosomal recessive inheritance. Not counted in ClinVar's aggregate classification.
Comment: Likely benign based on allele frequency in 1000 Genomes Project or ESP global frequency and its presence in a patient with a rare or unrelated disease phenotype. NOT Sanger confirmed.